The following is an entry in ClinVar:

ClinVar aggregate classification (germline): Uncertain significance (1 of 4 stars; one submission).

Submission:

Dasa
Classification: Uncertain significance. Last evaluated: 2025-06-25. Review status: criteria provided, single submitter. Criteria: DASA Assertion Criteria. Collection method: clinical testing. Allele origin: germline.
Comment: NM_005902.4(SMAD3):c.558T>G (p.Ser186Arg) is a missense variant that results in the substitution of serine with arginine. This variant is absent from population databases. Computational prediction algorithms are consistent with a deleterious effect. The currently available literature and clinical evidence are not sufficient to establish a definitive association between this variant and the reported condition. Therefore, this variant is classified as a variant of uncertain significance.

NM_005902.4(SMAD3):c.558T>G (p.Ser186Arg)

Gene: SMAD3 (SMAD family member 3; plus strand). Cytogenetic location: 15q22.33.
Variant type: single nucleotide variant.
Coding change: c.558T>G on transcript NM_005902.4 (MANE Select); coding-DNA position 558, T replaced by G.
Protein change: p.Ser186Arg; replaces serine 186 with arginine.
Molecular consequence: missense variant. On other transcripts: 5 prime UTR variant (2).
Genome position (GRCh38, 1-based): chr15:67,166,804, T>G. VCF-style: chr15-67166804-T-G. GRCh37 (hg19) VCF-style: chr15-67459142-T-G.
Other names: c.243T>G, p.Ser81Arg (NM_001145102.2, NM_001407016.1); c.426T>G, p.Ser142Arg (NM_001145103.2, NM_001407012.1); c.-28T>G (NM_001145104.2, NM_001407017.1); c.558T>G, p.Ser186Arg (NM_001407011.1, NM_001407013.1); c.411T>G, p.Ser137Arg (NM_001407014.1); c.111T>G, p.Ser37Arg (NM_001407015.1); short protein forms S137R, S142R, S186R, S37R, S81R.
Identifiers: ClinVar variation 4883129 (VCV004883129.2).